The following is an entry in ClinVar:

NM_001009944.3(PKD1):c.3925C>G (p.Pro1309Ala)

Gene: PKD1 (polycystin 1, transient receptor potential channel interacting; minus strand). Cytogenetic location: 16p13.3.
Variant type: single nucleotide variant.
Coding change: c.3925C>G on transcript NM_001009944.3 (MANE Select); coding-DNA position 3925, C replaced by G.
Protein change: p.Pro1309Ala; replaces proline 1309 with alanine.
Molecular consequence: missense variant.
Genome position (GRCh38, 1-based): chr16:2,111,242, G>C on the plus strand (C>G on the coding strand, the complement: PKD1 is on the minus strand). VCF-style: chr16-2111242-G-C. GRCh37 (hg19) VCF-style: chr16-2161243-G-C.
Other names: c.3925C>G, p.Pro1309Ala (NM_000296.4); short protein forms P1309A.
Identifiers: ClinVar variation 2385088 (VCV002385088.28), dbSNP rs374776444, ClinGen allele CA7832576.

ClinVar aggregate classification (germline): Conflicting classifications of pathogenicity. Review status: criteria provided, conflicting classifications (1 of 4 stars). 4 submissions from 4 submitters: Uncertain significance (1); Benign (1); Likely benign (2). Last evaluated 2026-08-28.

Conditions:
PKD1-related disorder. Also called: PKD1-related condition.
Inborn genetic diseases. Identifiers: MedGen C0950123, MeSH D030342.
Polycystic kidney disease, adult type (PKD1). Also called: Polycystic Kidney Disease 1, Autosomal Dominant; Polycystic kidney disease 1; Polycystic kidney disease 1, severe; POLYCYSTIC KIDNEY DISEASE, ADULT, TYPE I; Polycystic Kidney, Autosomal Dominant; POLYCYSTIC KIDNEY DISEASE 1 WITH OR WITHOUT POLYCYSTIC LIVER DISEASE. Identifiers: MedGen C3149841, MONDO:0008263, OMIM 173900.

Allele frequency attached by ClinVar (database versions not stated): ESP Exome Variant Server 0.00008; TOPMed 0.00008; ExAC 0.00025; 1000 Genomes Project 30x 0.00031; 1000 Genomes Project 0.00040.
gnomAD v4.1: 145 of 1,610,726 alleles (0.009%); highest among the groups gnomAD compares: South Asian, 0.11%; 3 homozygotes.

Submissions (4):

PreventionGenetics, part of Exact Sciences
Classification: Likely benign for PKD1-related condition. Last evaluated: 2026-08-28. Review status: criteria provided, single submitter. Criteria: ACMG Guidelines, 2015. Collection method: clinical testing. Allele origin: germline.
Comment: This variant is classified as likely benign based on ACMG/AMP sequence variant interpretation guidelines (Richards et al. 2015 PMID: 25741868, with internal and published modifications).

Department of Pathology and Laboratory Medicine, Sinai Health System
Classification: Likely benign for Polycystic kidney disease, adult type. Last evaluated: 2023-11-07. Review status: criteria provided, single submitter. Criteria: ACMG Guidelines, 2015. Collection method: clinical testing. Allele origin: germline. Affected: yes.

CeGaT Center for Human Genetics Tuebingen
Classification: Benign. Last evaluated: 2022-10-01. Review status: criteria provided, single submitter. Criteria: CeGaT Center For Human Genetics Tuebingen Variant Classification Criteria Version 2. Collection method: clinical testing. Allele origin: germline. Affected: yes. Observed: 1 variant allele.
Comment: PKD1: BS1, BS2

Ambry Genetics
Classification: Uncertain significance for Inborn genetic diseases. Last evaluated: 2021-08-02. Review status: criteria provided, single submitter. Criteria: Ambry Variant Classification Scheme 2023. Collection method: clinical testing. Allele origin: germline.